The following is an entry in ClinVar:

ClinVar aggregate classification (germline): Uncertain significance. Review status: criteria provided, multiple submitters, no conflicts (2 of 4 stars). 6 submissions from 6 submitters: Uncertain significance (6). Last evaluated 2026-08-01.

Conditions:
Ehlers-Danlos syndrome, classic type, 1 (EDSCL1). Also called: Ehlers-Danlos Syndrome, Classic Type, COL5A1-Related; EHLERS-DANLOS SYNDROME, GRAVIS TYPE; EHLERS-DANLOS SYNDROME, SEVERE CLASSIC TYPE; EDS I; Ehlers-Danlos syndrome, type 1. Identifiers: MedGen C0268335, MONDO:0019567, OMIM 130000.
Osteogenesis imperfecta type I (OI1). Also called: Classic Non-deforming Osteogenesis Imperfecta with Blue Sclerae; OI, TYPE I; OSTEOGENESIS IMPERFECTA TARDA; OSTEOGENESIS IMPERFECTA WITH BLUE SCLERAE; Osteogenesis imperfecta type 1; Lobstein disease. Identifiers: Orphanet 216796, Orphanet 666, MedGen C0023931, MONDO:0008146, OMIM 166200. Disease mechanism: loss of function.
Cardiovascular phenotype. Identifiers: MedGen CN230736.
COL1A2-related disorder. Also called: COL1A2-Related Disorders; COL1A2-related condition.

Allele frequency attached by ClinVar (database versions not stated): ExAC 0.00003; gnomAD exomes 0.00004; TOPMed 0.00006; gnomAD 0.00007 and 0.00008; ESP Exome Variant Server 0.00008.
gnomAD v4.1: 161 of 1,613,998 alleles (0.01%); highest among the groups gnomAD compares: Non-Finnish European, 0.013%; no homozygotes.

Submissions (6):

CeGaT Center for Human Genetics Tuebingen
Classification: Uncertain significance. Last evaluated: 2026-08-01. Review status: criteria provided, single submitter. Criteria: CeGaT Center For Human Genetics Tuebingen Variant Classification Criteria Version 2. Collection method: clinical testing. Allele origin: germline. Affected: yes. Observed: 1 variant allele.
Comment: COL1A2: PM2, BP4

Labcorp Genetics (formerly Invitae), Labcorp
Classification: Uncertain significance for Osteogenesis imperfecta type I; Ehlers-Danlos syndrome, classic type, 1. Last evaluated: 2026-01-27. Review status: criteria provided, single submitter. Criteria: Invitae Variant Classification Sherloc (09022015). Collection method: clinical testing. Allele origin: germline.
Comment: This sequence change replaces alanine, which is neutral and non-polar, with serine, which is neutral and polar, at codon 990 of the COL1A2 protein (p.Ala990Ser). This variant is present in population databases (rs367848162, gnomAD 0.01%). This variant has not been reported in the literature in individuals affected with COL1A2-related conditions. ClinVar contains an entry for this variant (Variation ID: 579371). Invitae Evidence Modeling of protein sequence and biophysical properties (such as structural, functional, and spatial information, amino acid conservation, physicochemical variation, residue mobility, and thermodynamic stability) indicates that this missense variant is not expected to disrupt COL1A2 protein function with a negative predictive value of 95%. In summary, the available evidence is currently insufficient to determine the role of this variant in disease. Therefore, it has been classified as a Variant of Uncertain Significance.

Ambry Genetics
Classification: Uncertain significance for Cardiovascular phenotype. Last evaluated: 2026-01-21. Review status: criteria provided, single submitter. Criteria: Ambry Variant Classification Scheme 2023. Collection method: clinical testing. Allele origin: germline.
Comment: The c.2968G>T (p.A990S) alteration is located in exon 45 (coding exon 45) of the COL1A2 gene. This alteration results from a G to T substitution at nucleotide position 2968, causing the alanine (A) at amino acid position 990 to be replaced by a serine (S). Based on data from gnomAD, the T allele has an overall frequency of 0.004% (12/282780) total alleles studied. The highest observed frequency was 0.014% (1/7220) of Other alleles. Based on insufficient or conflicting evidence, the clinical significance of this alteration remains unclear.

Women's Health and Genetics/Laboratory Corporation of America, LabCorp
Classification: Uncertain significance. Last evaluated: 2025-12-10. Review status: criteria provided, single submitter. Criteria: LabCorp Variant Classification Summary - May 2015. Collection method: clinical testing. Allele origin: germline.
Comment: Variant summary: COL1A2 c.2968G>T (p.Ala990Ser) results in a conservative amino acid change in the encoded protein sequence. Algorithms developed to predict the effect of missense changes on protein structure and function all suggest that this variant is likely to be tolerated. The variant allele was found at a frequency of 4e-05 in 251398 control chromosomes. This frequency is not significantly higher than estimated for disease-causing variants in COL1A2, allowing no conclusion about variant significance. To our knowledge, no occurrence of c.2968G>T in individuals affected with COL1A2-related conditions and no experimental evidence demonstrating its impact on protein function have been reported. ClinVar contains an entry for this variant (Variation ID: 579371). Based on the evidence outlined above, the variant was classified as uncertain significance.

PreventionGenetics, part of Exact Sciences
Classification: Uncertain significance for COL1A2-related condition. Last evaluated: 2025-11-15. Review status: criteria provided, single submitter. Criteria: ACMG Guidelines, 2015. Collection method: clinical testing. Allele origin: germline.
Comment: The COL1A2 c.2968G>T variant is predicted to result in the amino acid substitution p.Ala990Ser. To our knowledge, this variant has not been reported in the literature. This variant is reported in 0.0085% of alleles in individuals of European (Non-Finnish) descent in gnomAD. At this time, the clinical significance of this variant is uncertain due to the absence of conclusive functional and genetic evidence.

GeneDx
Classification: Uncertain significance. Last evaluated: 2021-03-25. Review status: criteria provided, single submitter. Criteria: GeneDx Variant Classification Process June 2021. Collection method: clinical testing. Allele origin: germline. Affected: yes.
Comment: Has not been previously published as pathogenic or benign to our knowledge; In silico analysis, which includes protein predictors and evolutionary conservation, supports that this variant does not alter protein structure/function; Reported in ClinVar as a variant of uncertain significance (ClinVar Variant ID# 579371 Landrum et al., 2016); Occurs in the triple helical domain at the Y position in the canonical Gly-X-Y repeat; although this variant may have an effect on normal protein folding and function, missense substitution at the Y position is not a common mechanism of disease (Stenson et al., 2014)

NM_000089.4(COL1A2):c.2968G>T (p.Ala990Ser)

Gene: COL1A2 (collagen type I alpha 2 chain; plus strand). Cytogenetic location: 7q21.3.
Variant type: single nucleotide variant.
Coding change: c.2968G>T on transcript NM_000089.4 (MANE Select); coding-DNA position 2968, G replaced by T.
Protein change: p.Ala990Ser; replaces alanine 990 with serine.
Molecular consequence: missense variant.
Genome position (GRCh38, 1-based): chr7:94,426,022, G>T. VCF-style: chr7-94426022-G-T. GRCh37 (hg19) VCF-style: chr7-94055334-G-T.
Other names: short protein forms A990S.
Identifiers: ClinVar variation 579371 (VCV000579371.20), dbSNP rs367848162, ClinGen allele CA4347624.